The following is an entry in ClinVar:

NM_001205293.3(CACNA1E):c.5470G>A (p.Gly1824Ser)

Gene: CACNA1E (calcium voltage-gated channel subunit alpha1 E; plus strand). Cytogenetic location: 1q25.3.
Variant type: single nucleotide variant.
Coding change: c.5470G>A on transcript NM_001205293.3 (MANE Select); coding-DNA position 5470, G replaced by A.
Protein change: p.Gly1824Ser; replaces glycine 1824 with serine.
Molecular consequence: missense variant.
Genome position (GRCh38, 1-based): chr1:181,783,784, G>A. VCF-style: chr1-181783784-G-A. GRCh37 (hg19) VCF-style: chr1-181752920-G-A.
Other names: c.5470G>A, p.Gly1824Ser (NM_000721.4); c.5413G>A, p.Gly1805Ser (NM_001205294.2); short protein forms G1805S, G1824S.
Identifiers: ClinVar variation 1315480 (VCV001315480.5), dbSNP rs1660627756, ClinGen allele CA343630632.

ClinVar aggregate classification (germline): Conflicting classifications of pathogenicity. Review status: criteria provided, conflicting classifications (1 of 4 stars). 2 submissions from 2 submitters: Uncertain significance (1); Likely benign (1). Last evaluated 2025-07-30.

Allele frequency attached by ClinVar (database versions not stated): TOPMed below 0.00001; gnomAD exomes below 0.00001.
gnomAD v4.1: 3 of 1,480,912 alleles (0.0002%); highest among the groups gnomAD compares: South Asian, 0.0035%; no homozygotes.

Submissions (2):

Labcorp Genetics (formerly Invitae), Labcorp
Classification: Likely benign. Last evaluated: 2025-07-30. Review status: criteria provided, single submitter. Criteria: Invitae Variant Classification Sherloc (09022015). Collection method: clinical testing. Allele origin: germline.

GeneDx
Classification: Uncertain significance. Last evaluated: 2020-01-21. Review status: criteria provided, single submitter. Criteria: GeneDx Variant Classification Process June 2021. Collection method: clinical testing. Allele origin: germline. Affected: yes.
Comment: Not observed in large population cohorts (Lek et al., 2016); In silico analysis, which includes protein predictors and evolutionary conservation, supports a deleterious effect; Has not been previously published as pathogenic or benign to our knowledge